The following is an entry in ClinVar:

ClinVar aggregate classification (germline): Uncertain significance (1 of 4 stars; one submission).

Conditions:
IL12RB2-related disorder. Also called: IL12RB2-related condition.

Submission:

PreventionGenetics, part of Exact Sciences
Classification: Uncertain significance for IL12RB2-related condition. Last evaluated: 2022-12-07. Review status: criteria provided, single submitter. Criteria: ACMG Guidelines, 2015. Collection method: clinical testing. Allele origin: germline.
Comment: The IL12RB2 c.358G>T variant is predicted to result in the amino acid substitution p.Val120Phe. To our knowledge, this variant has not been reported in the literature or in a large population database, indicating this variant is rare. At this time, the clinical significance of this variant is uncertain due to the absence of conclusive functional and genetic evidence.

NM_001374259.2(IL12RB2):c.358G>T (p.Val120Phe)

Gene: IL12RB2 (interleukin 12 receptor subunit beta 2; plus strand). Cytogenetic location: 1p31.3.
Variant type: single nucleotide variant.
Coding change: c.358G>T on transcript NM_001374259.2 (MANE Select); coding-DNA position 358, G replaced by T.
Protein change: p.Val120Phe; replaces valine 120 with phenylalanine.
Molecular consequence: missense variant. On other transcripts: non-coding transcript variant (2).
Genome position (GRCh38, 1-based): chr1:67,321,883, G>T. VCF-style: chr1-67321883-G-T. GRCh37 (hg19) VCF-style: chr1-67787566-G-T.
Other names: c.358G>T, p.Val120Phe (NM_001258214.1, NM_001258215.1, NM_001258216.1 and 2 more transcripts); short protein forms V120F.
Identifiers: ClinVar variation 2629902 (VCV002629902.1), dbSNP rs763813144, ClinGen allele CA340730949.